The following is an entry in ClinVar:

NM_001283009.2(RTEL1):c.3746C>A (p.Ala1249Glu)

Genes: RTEL1 (regulator of telomere elongation helicase 1; plus strand), RTEL1-TNFRSF6B (RTEL1-TNFRSF6B readthrough (NMD candidate); plus strand). Cytogenetic location: 20q13.33.
Variant type: single nucleotide variant.
Coding change: c.3746C>A on transcript NM_001283009.2 (MANE Select); coding-DNA position 3746, C replaced by A.
Protein change: p.Ala1249Glu; replaces alanine 1249 with glutamic acid.
Molecular consequence: missense variant. On other transcripts: non-coding transcript variant (1), intron variant (3).
Genome position (GRCh38, 1-based): chr20:63,695,574, C>A. VCF-style: chr20-63695574-C-A. GRCh37 (hg19) VCF-style: chr20-62326927-C-A.
Other names: c.2983+94C>A (NM_001283010.1); c.3724+94C>A (NM_032957.5); c.3652+94C>A (NM_016434.4); short protein forms A1249E.
Identifiers: ClinVar variation 3762205 (VCV003762205.1).
Genomic context (GRCh38, chr20:63,695,574, plus strand): 5'-AGGCCACGGGAGCTCCGGGCGGGCCCCTCTCAGCAGGCTGTGTGTGCCAGGGCTGTGGGG[C>A]AGAGGACGTGGTGCCCTTCCAGTGCCCTGCCTGTGACTTCCAGCGCTGCCAAGCCTGCTG-3'
Protein context (NP_001269938.1, residues 1239-1259): SAGCVCQGCG[Ala1249Glu]EDVVPFQCPA

ClinVar aggregate classification (germline): Uncertain significance (1 of 4 stars; one submission).

Conditions:
Dyskeratosis congenita, autosomal recessive 5 (DKCB5). Identifiers: MedGen C3554656, MONDO:0014076, OMIM 615190.
Pulmonary fibrosis and/or bone marrow failure, Telomere-related, 3. Also called: PULMONARY FIBROSIS AND/OR BONE MARROW FAILURE SYNDROME, TELOMERE-RELATED, 3. Identifiers: Orphanet 2032, MedGen C4225346, MONDO:0014613, OMIM 616373.

gnomAD v4.1: 1 of 1,612,232 alleles (0.000062%); no homozygotes.

Submission:

Labcorp Genetics (formerly Invitae), Labcorp
Classification: Uncertain significance for Dyskeratosis congenita, autosomal recessive 5; Pulmonary fibrosis and/or bone marrow failure, Telomere-related, 3. Last evaluated: 2024-08-04. Review status: criteria provided, single submitter. Criteria: Invitae Variant Classification Sherloc (09022015). Collection method: clinical testing. Allele origin: germline.
Comment: This sequence change replaces alanine, which is neutral and non-polar, with glutamic acid, which is acidic and polar, at codon 1249 of the RTEL1 protein (p.Ala1249Glu). This variant is not present in population databases (gnomAD no frequency). This variant has not been reported in the literature in individuals affected with RTEL1-related conditions. An algorithm developed to predict the effect of missense changes on protein structure and function (PolyPhen-2) suggests that this variant is likely to be disruptive. In summary, the available evidence is currently insufficient to determine the role of this variant in disease. Therefore, it has been classified as a Variant of Uncertain Significance.